The following is an entry in ClinVar:

NM_001378454.1(ALMS1):c.12257G>A (p.Arg4086Gln)

Genes: ALMS1 (ALMS1 centrosome and basal body associated protein; plus strand), LOC126806252 (BRD4-independent group 4 enhancer GRCh37_chr2:73828496-73829695; plus strand). Cytogenetic location: 2p13.1.
Variant type: single nucleotide variant.
Coding change: c.12257G>A on transcript NM_001378454.1 (MANE Select); coding-DNA position 12257, G replaced by A.
Protein change: p.Arg4086Gln; replaces arginine 4086 with glutamine.
Molecular consequence: missense variant.
Genome position (GRCh38, 1-based): chr2:73,602,327, G>A. VCF-style: chr2-73602327-G-A. GRCh37 (hg19) VCF-style: chr2-73829454-G-A.
Other names: c.12260G>A, p.Arg4087Gln (NM_015120.4); short protein forms R4087Q, R4086Q.
Identifiers: ClinVar variation 1385749 (VCV001385749.7), dbSNP rs917280846, ClinGen allele CA50337960.

ClinVar aggregate classification (germline): Conflicting classifications of pathogenicity. Review status: criteria provided, conflicting classifications (1 of 4 stars). 3 submissions from 3 submitters: Uncertain significance (2); Likely benign (1). Last evaluated 2025-01-02.

Conditions:
Alstrom syndrome (ALMS). Identifiers: Orphanet 64, MedGen C0268425, MONDO:0008763, OMIM 203800.
Cardiovascular phenotype. Identifiers: MedGen CN230736.

Allele frequency attached by ClinVar (database versions not stated): gnomAD exomes 0.00001 and 0.00002; gnomAD 0.00002 and 0.00003; TOPMed 0.00002.
gnomAD v4.1: 14 of 1,614,064 alleles (0.00087%); highest among the groups gnomAD compares: African/African-American, 0.0067%; no homozygotes.

Submissions (3):

Ambry Genetics
Classification: Likely benign for Cardiovascular phenotype. Last evaluated: 2025-01-02. Review status: criteria provided, single submitter. Criteria: Ambry Variant Classification Scheme 2023. Collection method: clinical testing. Allele origin: germline.

Labcorp Genetics (formerly Invitae), Labcorp
Classification: Uncertain significance for Alstrom syndrome. Last evaluated: 2021-11-11. Review status: criteria provided, single submitter. Criteria: Invitae Variant Classification Sherloc (09022015). Collection method: clinical testing. Allele origin: germline.
Comment: This sequence change replaces arginine, which is basic and polar, with glutamine, which is neutral and polar, at codon 4087 of the ALMS1 protein (p.Arg4087Gln). This variant is present in population databases (no rsID available, gnomAD 0.01%). This variant has not been reported in the literature in individuals affected with ALMS1-related conditions. Algorithms developed to predict the effect of missense changes on protein structure and function output the following: SIFT: "Not Available"; PolyPhen-2: "Not Available"; Align-GVGD: "Not Available". The glutamine amino acid residue is found in multiple mammalian species, which suggests that this missense change does not adversely affect protein function. In summary, the available evidence is currently insufficient to determine the role of this variant in disease. Therefore, it has been classified as a Variant of Uncertain Significance.

Fulgent Genetics
Classification: Uncertain significance for Alstrom syndrome. Last evaluated: 2021-07-09. Review status: criteria provided, single submitter. Criteria: ACMG Guidelines, 2015. Collection method: clinical testing. Allele origin: unknown.